The following is an entry in ClinVar:

NM_005654.6(NR2F1):c.86C>T (p.Ala29Val)

Genes: NR2F1 (nuclear receptor subfamily 2 group F member 1; plus strand), NR2F1-AS1 (NR2F1 regulatory antisense RNA 1; minus strand). Cytogenetic location: 5q15.
Variant type: single nucleotide variant.
Coding change: c.86C>T on transcript NM_005654.6 (MANE Select); coding-DNA position 86, C replaced by T.
Protein change: p.Ala29Val; replaces alanine 29 with valine.
Molecular consequence: missense variant.
Genome position (GRCh38, 1-based): chr5:93,585,109, C>T. VCF-style: chr5-93585109-C-T. GRCh37 (hg19) VCF-style: chr5-92920815-C-T.
Other names: short protein forms A29V.
Identifiers: ClinVar variation 1933532 (VCV001933532.5), dbSNP rs2480801056, ClinGen allele CA360525496.
Genomic context (GRCh38, chr5:93,585,109, plus strand): 5'-GAGATCCGCAGGACGACGTGGCCGGGGGCAACCCCGGCGGCCCCAACCCCGCAGCGCAGG[C>T]GGCCCGCGGCGGCGGCGGCGGCGCCGGCGAGCAGCAGCAGCAGGCGGGCTCGGGCGCGCC-3'
Protein context (NP_005645.1, residues 19-39): NPGGPNPAAQ[Ala29Val]ARGGGGGAGE

ClinVar aggregate classification (germline): Uncertain significance (1 of 4 stars; one submission).

Allele frequency attached by ClinVar (database versions not stated): gnomAD exomes below 0.00001.
gnomAD v4.1: 2 of 989,098 alleles (0.0002%); highest among the groups gnomAD compares: Non-Finnish European, 0.00024%; no homozygotes.

Submission:

Labcorp Genetics (formerly Invitae), Labcorp
Classification: Uncertain significance. Last evaluated: 2022-08-17. Review status: criteria provided, single submitter. Criteria: Invitae Variant Classification Sherloc (09022015). Collection method: clinical testing. Allele origin: germline.
Comment: The frequency data for this variant in the population databases is considered unreliable, as metrics indicate insufficient coverage at this position in the gnomAD database. This variant has not been reported in the literature in individuals affected with NR2F1-related conditions. Algorithms developed to predict the effect of missense changes on protein structure and function (SIFT, PolyPhen-2, Align-GVGD) all suggest that this variant is likely to be tolerated. In summary, the available evidence is currently insufficient to determine the role of this variant in disease. Therefore, it has been classified as a Variant of Uncertain Significance. This sequence change replaces alanine, which is neutral and non-polar, with valine, which is neutral and non-polar, at codon 29 of the NR2F1 protein (p.Ala29Val).